The following is an entry in ClinVar:

NM_002485.5(NBN):c.1789A>T (p.Ile597Leu)

Gene: NBN (nibrin; minus strand). Cytogenetic location: 8q21.3.
Variant type: single nucleotide variant.
Coding change: c.1789A>T on transcript NM_002485.5 (MANE Select); coding-DNA position 1789, A replaced by T.
Protein change: p.Ile597Leu; replaces isoleucine 597 with leucine.
Molecular consequence: missense variant.
Genome position (GRCh38, 1-based): chr8:89,953,300, T>A on the plus strand (A>T on the coding strand, the complement: NBN is on the minus strand). VCF-style: chr8-89953300-T-A. GRCh37 (hg19) VCF-style: chr8-90965528-T-A.
Other names: c.1543A>T, p.Ile515Leu (NM_001024688.3); short protein forms I597L, I515L.
Identifiers: ClinVar variation 627914 (VCV000627914.12), dbSNP rs864622167, ClinGen allele CA181257648.

ClinVar aggregate classification (germline): Uncertain significance. Review status: criteria provided, multiple submitters, no conflicts (2 of 4 stars). 3 submissions from 3 submitters: Uncertain significance (3). Last evaluated 2022-09-06.

Conditions:
Hereditary cancer-predisposing syndrome. Also called: Tumor predisposition; Neoplastic Syndromes, Hereditary; Hereditary Cancer Syndrome; Hereditary neoplastic syndrome. Identifiers: Orphanet 140162, MedGen C0027672, MeSH D009386, MONDO:0015356.
Microcephaly, normal intelligence and immunodeficiency (NBS). Also called: BERLIN BREAKAGE SYNDROME; Ataxia telangiectasia variant V1; IMMUNODEFICIENCY, MICROCEPHALY, AND CHROMOSOMAL INSTABILITY; SEEMANOVA SYNDROME II; Immunodeficiency, microcephaly with normal intelligence; Nijmegen breakage syndrome. Identifiers: Orphanet 647, MedGen C0398791, MONDO:0009623, OMIM 251260.

Allele frequency attached by ClinVar (database versions not stated): TOPMed 0.00001.
gnomAD v4.1: 1 of 1,613,254 alleles (0.000062%); no homozygotes.

Submissions (3):

GeneDx
Classification: Uncertain significance. Last evaluated: 2022-09-06. Review status: criteria provided, single submitter. Criteria: GeneDx Variant Classification Process June 2021. Collection method: clinical testing. Allele origin: germline. Affected: yes.
Comment: Not observed at significant frequency in large population cohorts (gnomAD); In silico analysis supports that this missense variant does not alter protein structure/function; Has not been previously published as pathogenic or benign to our knowledge

Genome-Nilou Lab
Classification: Uncertain significance for Microcephaly, normal intelligence and immunodeficiency. Last evaluated: 2021-11-07. Review status: criteria provided, single submitter. Criteria: ACMG Guidelines, 2015. Collection method: clinical testing. Allele origin: germline. Affected: no.

Ambry Genetics
Classification: Uncertain significance for Hereditary cancer-predisposing syndrome. Last evaluated: 2019-05-02. Review status: criteria provided, single submitter. Criteria: Ambry Variant Classification Scheme 2023. Collection method: clinical testing. Allele origin: germline.
Comment: The p.I597L variant (also known as c.1789A>T), located in coding exon 11 of the NBN gene, results from an A to T substitution at nucleotide position 1789. The isoleucine at codon 597 is replaced by leucine, an amino acid with highly similar properties. This amino acid position is not well conserved in available vertebrate species. In addition, this alteration is predicted to be tolerated by in silico analysis. Since supporting evidence is limited at this time, the clinical significance of this alteration remains unclear.